The following is an entry in ClinVar:

NM_005996.4(TBX3):c.1454C>T (p.Pro485Leu)

Gene: TBX3 (T-box transcription factor 3; minus strand). Cytogenetic location: 12q24.21.
Variant type: single nucleotide variant.
Coding change: c.1454C>T on transcript NM_005996.4 (MANE Select); coding-DNA position 1454, C replaced by T.
Protein change: p.Pro485Leu; replaces proline 485 with leucine.
Molecular consequence: missense variant.
Genome position (GRCh38, 1-based): chr12:114,674,421, G>A on the plus strand (C>T on the coding strand, the complement: TBX3 is on the minus strand). VCF-style: chr12-114674421-G-A. GRCh37 (hg19) VCF-style: chr12-115112226-G-A.
Other names: c.1514C>T, p.Pro505Leu (NM_016569.4); short protein forms P485L, P505L.
Identifiers: ClinVar variation 4978250 (VCV004978250.1).
Genomic context (GRCh38, chr12:114,674,421, plus strand): 5'-AACTGGCTGGGGTGCAGGAAGAGCGGGTGCCCGTTGAAGAACTGTTGGCCCGCCAGGCCC[G>A]GGGCGAAGCCGAGGCCAGGCAGGGGGCCCTGGGCCAGGTGCGCGGCGGCCGCGTCCGTCT-3'
Protein context (NP_005987.3, residues 475-495): QGPLPGLGFA[Pro485Leu]GLAGQQFFNG

ClinVar aggregate classification (germline): Uncertain significance (1 of 4 stars; one submission).

Conditions:
TBX3-related disorder. Also called: TBX3-related condition.

gnomAD v4.1: 11 of 1,549,764 alleles (0.00071%); highest among the groups gnomAD compares: Non-Finnish European, 0.00087%; no homozygotes.

Submission:

PreventionGenetics, part of Exact Sciences
Classification: Uncertain significance for TBX3-related condition. Last evaluated: 2025-06-13. Review status: criteria provided, single submitter. Criteria: ACMG Guidelines, 2015. Collection method: clinical testing. Allele origin: germline.
Comment: The TBX3 c.1514C>T variant is predicted to result in the amino acid substitution p.Pro505Leu. To our knowledge, this variant has not been reported in the literature or in a large population database (gnomAD), indicating this variant is rare. At this time, the clinical significance of this variant is uncertain due to the absence of conclusive functional and genetic evidence.